The following is an entry in ClinVar:

ClinVar aggregate classification (germline): Pathogenic (1 of 4 stars; one submission).

Conditions:
Cardiovascular phenotype. Identifiers: MedGen CN230736.
Hereditary cancer-predisposing syndrome. Also called: Hereditary Cancer Syndrome; Hereditary neoplastic syndrome; Neoplastic Syndromes, Hereditary; Tumor predisposition. Identifiers: Orphanet 140162, MedGen C0027672, MeSH D009386, MONDO:0015356.

Submission:

Ambry Genetics
Classification: Pathogenic for Cardiovascular phenotype; Hereditary cancer-predisposing syndrome. Last evaluated: 2022-05-18. Review status: criteria provided, single submitter. Criteria: Ambry Variant Classification Scheme 2023. Collection method: clinical testing. Allele origin: germline.
Comment: The c.5750-184_5750-178dupTTTCTTC intronic pathogenic mutation, results from a duplication of 7 nucleotides at nucleotide positions 5750-184_5750-178 before intron 38 of the NF1 gene. This alteration has been observed in at least one individual with a personal and/or family history that is consistent with neurofibromatosis type 1 (Ambry internal data). In silico splice site analysis predicts that this alteration will result in the creation or strengthening of a novel splice acceptor site. RNA studies have demonstrated that this alteration results in abnormal splicing in the set of samples tested (Ambry internal data). This variant is considered to be rare based on population cohorts in the Genome Aggregation Database (gnomAD). Based on the supporting evidence, this alteration is interpreted as a disease-causing mutation.

NM_001042492.3(NF1):c.5813-184_5813-178dup

Gene: NF1 (neurofibromin 1; plus strand). Cytogenetic location: 17q11.2.
Variant type: Duplication.
Coding change: c.5813-184_5813-178dup on transcript NM_001042492.3 (MANE Select); 184 bases into the intron before coding-DNA position 5813 through 178 bases into the intron before coding-DNA position 5813, 7 bases duplicated (TTTCTTC; older notation c.5813-184_5813-178dupTTTCTTC).
Molecular consequence: intron variant.
Genome position (GRCh38, 1-based): chr17:31,334,654-31,334,660, TTTCTTC duplicated; duplicating any 7 consecutive bases within chr17:31,334,653-31,334,660 gives the same sequence; the c. name uses the placement nearest the transcript's 3' end. VCF-style (leftmost placement, unchanged base first): chr17-31334652-A-ACTTTCTT. GRCh37 (hg19) VCF-style: chr17-29661670-A-ACTTTCTT.
Other names: c.5750-184_5750-178dupTTTCTTC (NM_000267.3); c.5750-184_5750-178dup (NM_000267.4).
Identifiers: ClinVar variation 1749437 (VCV001749437.2), dbSNP rs2508734738, ClinGen allele CA2580092935.